The following is an entry in ClinVar:

NM_001163809.2(WDR81):c.3043G>A (p.Ala1015Thr)

Gene: WDR81 (WD repeat domain 81; plus strand). Cytogenetic location: 17p13.3.
Variant type: single nucleotide variant.
Coding change: c.3043G>A on transcript NM_001163809.2 (MANE Select); coding-DNA position 3043, G replaced by A.
Protein change: p.Ala1015Thr; replaces alanine 1015 with threonine.
Molecular consequence: missense variant. On other transcripts: 5 prime UTR variant (1), intron variant (2).
Genome position (GRCh38, 1-based): chr17:1,728,002, G>A. VCF-style: chr17-1728002-G-A. GRCh37 (hg19) VCF-style: chr17-1631296-G-A.
Other names: c.-111G>A (NM_152348.4); c.59-2378G>A (NM_001163673.2); c.-14-2378G>A (NM_001163811.2); short protein forms A1015T.
Identifiers: ClinVar variation 2581942 (VCV002581942.3), dbSNP rs764589452, ClinGen allele CA8273164.

ClinVar aggregate classification (germline): Uncertain significance. Review status: criteria provided, multiple submitters, no conflicts (2 of 4 stars). 2 submissions from 2 submitters: Uncertain significance (2). Last evaluated 2025-02-04.

Conditions:
Inborn genetic diseases. Identifiers: MedGen C0950123, MeSH D030342.

Allele frequency attached by ClinVar (database versions not stated): gnomAD 0.00001; ExAC 0.00006.
gnomAD v4.1: 15 of 1,550,968 alleles (0.00097%); highest among the groups gnomAD compares: Admixed American, 0.014%; no homozygotes.

Submissions (2):

GeneDx
Classification: Uncertain significance. Last evaluated: 2025-02-04. Review status: criteria provided, single submitter. Criteria: GeneDx Variant Classification Process June 2021. Collection method: clinical testing. Allele origin: germline. Affected: yes.
Comment: Not observed at significant frequency in large population cohorts (gnomAD); In silico analysis indicates that this missense variant does not alter protein structure/function; Has not been previously published as pathogenic or benign to our knowledge

Ambry Genetics
Classification: Uncertain significance for Inborn genetic diseases. Last evaluated: 2023-10-02. Review status: criteria provided, single submitter. Criteria: Ambry Variant Classification Scheme 2023. Collection method: clinical testing. Allele origin: germline.